The following is an entry in ClinVar:

ClinVar aggregate classification (germline): Uncertain significance (1 of 4 stars; one submission).

Conditions:
Holoprosencephaly 2 (HPE2). Identifiers: Orphanet 2162, MedGen C1834877, MONDO:0007999, OMIM 157170.

Submission:

Labcorp Genetics (formerly Invitae), Labcorp
Classification: Uncertain significance for Holoprosencephaly 2. Last evaluated: 2022-07-12. Review status: criteria provided, single submitter. Criteria: Invitae Variant Classification Sherloc (09022015). Collection method: clinical testing. Allele origin: germline.
Comment: Algorithms developed to predict the effect of missense changes on protein structure and function are either unavailable or do not agree on the potential impact of this missense change (SIFT: "Deleterious"; PolyPhen-2: "Benign"; Align-GVGD: "Class C0"). In summary, the available evidence is currently insufficient to determine the role of this variant in disease. Therefore, it has been classified as a Variant of Uncertain Significance. This variant has not been reported in the literature in individuals affected with SIX3-related conditions. This variant is not present in population databases (gnomAD no frequency). This sequence change replaces methionine, which is neutral and non-polar, with lysine, which is basic and polar, at codon 280 of the SIX3 protein (p.Met280Lys).

NM_005413.4(SIX3):c.839T>A (p.Met280Lys)

Gene: SIX3 (SIX homeobox 3; plus strand). Cytogenetic location: 2p21.
Variant type: single nucleotide variant.
Coding change: c.839T>A on transcript NM_005413.4 (MANE Select); coding-DNA position 839, T replaced by A.
Protein change: p.Met280Lys; replaces methionine 280 with lysine.
Molecular consequence: missense variant.
Genome position (GRCh38, 1-based): chr2:44,944,600, T>A. VCF-style: chr2-44944600-T-A. GRCh37 (hg19) VCF-style: chr2-45171739-T-A.
Other names: short protein forms M280K.
Identifiers: ClinVar variation 2148494 (VCV002148494.4), dbSNP rs2466518406, ClinGen allele CA346800491.